The following is an entry in ClinVar:

NM_001029883.3(PCARE):c.3181C>G (p.Pro1061Ala)

Gene: PCARE (photoreceptor cilium actin regulator; minus strand). Cytogenetic location: 2p23.2.
Variant type: single nucleotide variant.
Coding change: c.3181C>G on transcript NM_001029883.3 (MANE Select); coding-DNA position 3181, C replaced by G.
Protein change: p.Pro1061Ala; replaces proline 1061 with alanine.
Molecular consequence: missense variant.
Genome position (GRCh38, 1-based): chr2:29,071,081, G>C on the plus strand (C>G on the coding strand, the complement: PCARE is on the minus strand). VCF-style: chr2-29071081-G-C. GRCh37 (hg19) VCF-style: chr2-29293947-G-C.
Other names: short protein forms P1061A.
Identifiers: ClinVar variation 2019998 (VCV002019998.4), dbSNP rs1446423369, ClinGen allele CA346475648.

ClinVar aggregate classification (germline): Uncertain significance (1 of 4 stars; one submission).

Allele frequency attached by ClinVar (database versions not stated): gnomAD exomes below 0.00001.
gnomAD v4.1: 1 of 1,590,466 alleles (0.000063%); highest among the groups gnomAD compares: South Asian, 0.0011%; no homozygotes.

Submission:

Labcorp Genetics (formerly Invitae), Labcorp
Classification: Uncertain significance. Last evaluated: 2022-07-31. Review status: criteria provided, single submitter. Criteria: Invitae Variant Classification Sherloc (09022015). Collection method: clinical testing. Allele origin: germline.
Comment: Algorithms developed to predict the effect of missense changes on protein structure and function (SIFT, PolyPhen-2, Align-GVGD) all suggest that this variant is likely to be tolerated. In summary, the available evidence is currently insufficient to determine the role of this variant in disease. Therefore, it has been classified as a Variant of Uncertain Significance. This variant has not been reported in the literature in individuals affected with PCARE-related conditions. This variant is not present in population databases (gnomAD no frequency). This sequence change replaces proline, which is neutral and non-polar, with alanine, which is neutral and non-polar, at codon 1061 of the PCARE protein (p.Pro1061Ala).